The following is an entry in ClinVar:

ClinVar aggregate classification (germline): Likely pathogenic (1 of 4 stars; one submission).

Conditions:
Glycine encephalopathy. Also called: Nonketotic hyperglycinemia; Non-ketotic hyperglycinemia. Identifiers: Orphanet 407, MedGen C0751748, MONDO:0011612, HP:0008288.

Submission:

Labcorp Genetics (formerly Invitae), Labcorp
Classification: Likely pathogenic for Glycine encephalopathy. Last evaluated: 2022-07-18. Review status: criteria provided, single submitter. Criteria: Invitae Variant Classification Sherloc (09022015). Collection method: clinical testing. Allele origin: germline.
Comment: In summary, the currently available evidence indicates that the variant is pathogenic, but additional data are needed to prove that conclusively. Therefore, this variant has been classified as Likely Pathogenic. Algorithms developed to predict the effect of sequence changes on RNA splicing suggest that this variant may disrupt the consensus splice site. This variant has not been reported in the literature in individuals affected with GLDC-related conditions. This variant is not present in population databases (gnomAD no frequency). This sequence change affects an acceptor splice site in intron 13 of the GLDC gene. It is expected to disrupt RNA splicing. Variants that disrupt the donor or acceptor splice site typically lead to a loss of protein function (PMID: 16199547), and loss-of-function variants in GLDC are known to be pathogenic (PMID: 16601880).

Literature cited by the submitters: PubMed 16199547; PubMed 16601880.

NM_000170.3(GLDC):c.1666-1G>A

Gene: GLDC (glycine decarboxylase; minus strand). Cytogenetic location: 9p24.1.
Variant type: single nucleotide variant.
Coding change: c.1666-1G>A on transcript NM_000170.3 (MANE Select); the canonical splice acceptor site of the intron before coding-DNA position 1666, G replaced by A.
Molecular consequence: splice acceptor variant.
Genome position (GRCh38, 1-based): chr9:6,588,443, C>T on the plus strand (G>A on the coding strand, the complement: GLDC is on the minus strand). VCF-style: chr9-6588443-C-T. GRCh37 (hg19) VCF-style: chr9-6588443-C-T.
Identifiers: ClinVar variation 2018008 (VCV002018008.4), dbSNP rs1401949733, ClinGen allele CA372892356.